The following is an entry in ClinVar:

ClinVar aggregate classification (germline): Conflicting classifications of pathogenicity. Review status: criteria provided, conflicting classifications (1 of 4 stars). 4 submissions from 4 submitters: Uncertain significance (3); Likely benign (1). Last evaluated 2025-10-03.

Conditions:
CEACAM16-related disorder. Also called: CEACAM16-related condition.
Inborn genetic diseases. Identifiers: MedGen C0950123, MeSH D030342.

Allele frequency attached by ClinVar (database versions not stated): TOPMed 0.00005; gnomAD 0.00007 and 0.00008; ESP Exome Variant Server 0.00008; gnomAD exomes 0.00010; ExAC 0.00013; 1000 Genomes Project 30x 0.00016; 1000 Genomes Project 0.00020.
gnomAD v4.1: 205 of 1,565,024 alleles (0.013%); highest among the groups gnomAD compares: South Asian, 0.015%; no homozygotes.

Submissions (4):

PreventionGenetics, part of Exact Sciences
Classification: Uncertain significance for CEACAM16-related condition. Last evaluated: 2025-10-03. Review status: criteria provided, single submitter. Criteria: ACMG Guidelines, 2015. Collection method: clinical testing. Allele origin: germline.
Comment: The CEACAM16 c.5C>T variant is predicted to result in the amino acid substitution p.Ala2Val. To our knowledge, this variant has not been reported in the literature. This variant is reported in 0.021% of alleles in individuals of South Asian descent in gnomAD. At this time, the clinical significance of this variant is uncertain due to the absence of conclusive functional and genetic evidence.

GeneDx
Classification: Uncertain significance. Last evaluated: 2025-04-22. Review status: criteria provided, single submitter. Criteria: GeneDx Variant Classification Process June 2021. Collection method: clinical testing. Allele origin: germline. Affected: yes.
Comment: In silico analysis indicates that this missense variant does not alter protein structure/function; Has not been previously published as pathogenic or benign to our knowledge

Labcorp Genetics (formerly Invitae), Labcorp
Classification: Uncertain significance. Last evaluated: 2023-10-24. Review status: criteria provided, single submitter. Criteria: Invitae Variant Classification Sherloc (09022015). Collection method: clinical testing. Allele origin: germline.
Comment: This sequence change replaces alanine, which is neutral and non-polar, with valine, which is neutral and non-polar, at codon 2 of the CEACAM16 protein (p.Ala2Val). The frequency data for this variant in the population databases is considered unreliable, as metrics indicate poor data quality at this position in the gnomAD database. This variant has not been reported in the literature in individuals affected with CEACAM16-related conditions. ClinVar contains an entry for this variant (Variation ID: 1312526). Algorithms developed to predict the effect of missense changes on protein structure and function output the following: SIFT: "Not Available"; PolyPhen-2: "Benign"; Align-GVGD: "Not Available". The valine amino acid residue is found in multiple mammalian species, which suggests that this missense change does not adversely affect protein function. In summary, the available evidence is currently insufficient to determine the role of this variant in disease. Therefore, it has been classified as a Variant of Uncertain Significance.

Ambry Genetics
Classification: Likely benign for Inborn genetic diseases. Last evaluated: 2022-12-06. Review status: criteria provided, single submitter. Criteria: Ambry Variant Classification Scheme 2023. Collection method: clinical testing. Allele origin: germline.

NM_001039213.4(CEACAM16):c.5C>T (p.Ala2Val)

Genes: CEACAM16 (CEA cell adhesion molecule 16, tectorial membrane component; plus strand), CEACAM16-AS1 (CEACAM16, CEACAM19 and PVR antisense RNA 1; minus strand). Cytogenetic location: 19q13.32.
Variant type: single nucleotide variant.
Coding change: c.5C>T on transcript NM_001039213.4 (MANE Select); coding-DNA position 5, C replaced by T.
Protein change: p.Ala2Val; replaces alanine 2 with valine.
Molecular consequence: missense variant.
Genome position (GRCh38, 1-based): chr19:44,701,461, C>T. VCF-style: chr19-44701461-C-T. GRCh37 (hg19) VCF-style: chr19-45204731-C-T.
Other names: c.5C>T (NM_001039213.2); short protein forms A2V.
Identifiers: ClinVar variation 1312526 (VCV001312526.11), dbSNP rs377750953, ClinGen allele CA9502915.
Genomic context (GRCh38, chr19:44,701,461, plus strand): 5'-GTCCGAGCACTGGGACTTCAACGCCACCATCTCCAAGACTCGGTTTGGGGTGAAAGATGG[C>T]GCTGACTGGGTACAGCTGGCTGCTCCTCAGTGGTGAGCGAGAATGGCACCCCCCAGCACC-3'
Protein context (NP_001034302.2, residues 1-12): M[Ala2Val]LTGYSWLLLS